The following is an entry in ClinVar:

NM_001040108.2(MLH3):c.1873C>T (p.His625Tyr)

Gene: MLH3 (mutL homolog 3; minus strand). Cytogenetic location: 14q24.3.
Variant type: single nucleotide variant.
Coding change: c.1873C>T on transcript NM_001040108.2 (MANE Select); coding-DNA position 1873, C replaced by T.
Protein change: p.His625Tyr; replaces histidine 625 with tyrosine.
Molecular consequence: missense variant.
Genome position (GRCh38, 1-based): chr14:75,047,783, G>A on the plus strand (C>T on the coding strand, the complement: MLH3 is on the minus strand). VCF-style: chr14-75047783-G-A. GRCh37 (hg19) VCF-style: chr14-75514486-G-A.
Other names: c.1873C>T, p.His625Tyr (NM_014381.3); short protein forms H625Y.
Identifiers: ClinVar variation 1781729 (VCV001781729.2), dbSNP rs1247747917, ClinGen allele CA390443968.
Genomic context (GRCh38, chr14:75,047,783, plus strand): 5'-TATTTCCAAATGTTTCTTGGGCACGTGTGGGACCAGGTCTAACATAATTTTTAAATGAAT[G>A]TTCTGTTTCAGTTGATTTAGTTTTTTCATTTTGTACTACATGAGTTATAAAGCCAGTGGA-3'
Protein context (NP_001035197.1, residues 615-635): NEKTKSTETE[His625Tyr]SFKNYVRPGP

ClinVar aggregate classification (germline): Uncertain significance (1 of 4 stars; one submission).

Submission:

Ambry Genetics
Classification: Uncertain significance. Last evaluated: 2022-08-08. Review status: criteria provided, single submitter. Criteria: Ambry Variant Classification Scheme 2023. Collection method: clinical testing. Allele origin: germline.
Comment: The p.H625Y variant (also known as c.1873C>T), located in coding exon 1 of the MLH3 gene, results from a C to T substitution at nucleotide position 1873. The histidine at codon 625 is replaced by tyrosine, an amino acid with similar properties. This amino acid position is conserved. In addition, this alteration is predicted to be tolerated by in silico analysis. Since supporting evidence is limited at this time, the clinical significance of this alteration remains unclear.